The following is an entry in ClinVar:

NM_001201539.2(ARSF):c.12-10T>G

Gene: ARSF (arylsulfatase F; plus strand). Cytogenetic location: Xp22.33.
Variant type: single nucleotide variant.
Coding change: c.12-10T>G on transcript NM_001201539.2 (MANE Select); 10 bases into the intron before coding-DNA position 12, T replaced by G.
Molecular consequence: intron variant.
Genome position (GRCh38, 1-based): chrX:3,072,016, T>G. VCF-style: chrX-3072016-T-G. GRCh37 (hg19) VCF-style: chrX-2990057-T-G.
Other names: c.12-10T>G (NM_001201538.2, NM_004042.5).
Identifiers: ClinVar variation 3344049 (VCV003344049.1).
Genomic context (GRCh38, chrX:3,072,016, plus strand): 5'-GTGTTGGGAGGTGGATCCTGAATCCACCCAGAGAAGCCTGATACCAATAAAATCCCTGCT[T>G]GCTTTCCAGGAGACCCTTGGTCTTCATGTCTTTGGTGTGTGCACTCTTGAACACATGCCA-3'

ClinVar aggregate classification (germline): Uncertain significance (0 of 4 stars; one submission).

Conditions:
ARSF-related disorder. Also called: ARSF-related condition.

Submission:

PreventionGenetics, part of Exact Sciences
Classification: Uncertain significance for ARSF-related condition. Last evaluated: 2024-05-29. Review status: no assertion criteria provided. Collection method: clinical testing. Allele origin: germline.
Comment: The ARSF c.12-10T>G variant is predicted to interfere with splicing. To our knowledge, this variant has not been reported in the literature or in a large population database, indicating this variant is rare. However, the use of computer prediction programs is not equivalent to functional evidence, and therefore the clinical significance of this variant is uncertain.